The following is an entry in ClinVar:

NM_001035.3(RYR2):c.1828-10C>A

Gene: RYR2 (ryanodine receptor 2; plus strand). Cytogenetic location: 1q43.
Variant type: single nucleotide variant.
Coding change: c.1828-10C>A on transcript NM_001035.3 (MANE Select); 10 bases into the intron before coding-DNA position 1828, C replaced by A.
Molecular consequence: intron variant.
Genome position (GRCh38, 1-based): chr1:237,492,944, C>A. VCF-style: chr1-237492944-C-A. GRCh37 (hg19) VCF-style: chr1-237656244-C-A.
Other names: c.1828-10C>A (LRG_402t1).
Identifiers: ClinVar variation 385196 (VCV000385196.12), dbSNP rs755233180, ClinGen allele CA085895.

ClinVar aggregate classification (germline): Likely benign. Review status: criteria provided, multiple submitters, no conflicts (2 of 4 stars). 4 submissions from 4 submitters: Likely benign (4). Last evaluated 2024-06-17.

Conditions:
Catecholaminergic polymorphic ventricular tachycardia (CVPT). Also called: Catecholamine-induced polymorphic ventricular tachycardia. Identifiers: Orphanet 3286, MedGen C5574922, MONDO:0017990.
Catecholaminergic polymorphic ventricular tachycardia 1. Also called: RYR2-Related Catecholaminergic Polymorphic Ventricular Tachycardia; VENTRICULAR TACHYCARDIA, CATECHOLAMINERGIC POLYMORPHIC, 1, WITH OR WITHOUT ATRIAL DYSFUNCTION AND/OR DILATED CARDIOMYOPATHY; VENTRICULAR TACHYCARDIA, STRESS-INDUCED POLYMORPHIC 1. Identifiers: Orphanet 3286, MedGen C1631597, MONDO:0011484, OMIM 604772.
Cardiomyopathy (CMYO). Also called: Cardiomyopathies. Identifiers: Orphanet 167848, MedGen C0878544, MONDO:0004994, HP:0001638. Inheritance: Various modes of inheritance.

Allele frequency attached by ClinVar (database versions not stated): ExAC below 0.00001; gnomAD 0.00002; TOPMed 0.00003.

Submissions (4):

Labcorp Genetics (formerly Invitae), Labcorp
Classification: Likely benign for Catecholaminergic polymorphic ventricular tachycardia 1. Last evaluated: 2024-06-17. Review status: criteria provided, single submitter. Criteria: Invitae Variant Classification Sherloc (09022015). Collection method: clinical testing. Allele origin: germline.

All of Us Research Program, National Institutes of Health
Classification: Likely benign for Catecholaminergic polymorphic ventricular tachycardia. Last evaluated: 2024-06-09. Review status: criteria provided, single submitter. Criteria: ACMG Guidelines, 2015. Collection method: clinical testing. Allele origin: germline. Inheritance: Autosomal dominant inheritance. Observed: 1 variant allele, 1 heterozygote.
Comment: This study involves interpretation of variants in research participants for the purpose of population health screening. Participant phenotype was not available at the time of variant classification. Additional details can be found in publication PMID: 35346344, PMCID: PMC8962531

Color Diagnostics, LLC DBA Color Health
Classification: Likely benign for Cardiomyopathy. Last evaluated: 2024-05-24. Review status: criteria provided, single submitter. Criteria: ACMG Guidelines, 2015. Collection method: clinical testing. Allele origin: germline.

GeneDx
Classification: Likely benign. Last evaluated: 2016-03-31. Review status: criteria provided, single submitter. Criteria: GeneDx Variant Classification (06012015). Collection method: clinical testing. Allele origin: germline. Affected: yes.
Comment: This variant is considered likely benign or benign based on one or more of the following criteria: it is a conservative change, it occurs at a poorly conserved position in the protein, it is predicted to be benign by multiple in silico algorithms, and/or has population frequency not consistent with disease.